The following is an entry in ClinVar:

NM_130811.4(SNAP25):c.7G>A (p.Glu3Lys)

Gene: SNAP25 (synaptosome associated protein 25; plus strand). Cytogenetic location: 20p12.2.
Variant type: single nucleotide variant.
Coding change: c.7G>A on transcript NM_130811.4 (MANE Select); coding-DNA position 7, G replaced by A.
Protein change: p.Glu3Lys; replaces glutamic acid 3 with lysine.
Molecular consequence: missense variant.
Genome position (GRCh38, 1-based): chr20:10,275,498, G>A. VCF-style: chr20-10275498-G-A. GRCh37 (hg19) VCF-style: chr20-10256146-G-A.
Other names: c.7G>A, p.Glu3Lys (NM_001322902.2, NM_001322903.2, NM_001322904.2 and 7 more transcripts); short protein forms E3K.
Identifiers: ClinVar variation 1441827 (VCV001441827.6), dbSNP rs535525064, ClinGen allele CA9763237.

ClinVar aggregate classification (germline): Uncertain significance (1 of 4 stars; one submission).

Conditions:
Congenital myasthenic syndrome 18. Also called: MYASTHENIC SYNDROME, CONGENITAL, 18, WITH INTELLECTUAL DISABILITY AND ATAXIA. Identifiers: Orphanet 590, MedGen C4225364, MONDO:0014590, OMIM 616330.

Allele frequency attached by ClinVar (database versions not stated): gnomAD 0.00001 and 0.00002; TOPMed 0.00001; gnomAD exomes 0.00004 and 0.00006; ExAC 0.00014; 1000 Genomes Project 30x 0.00016; 1000 Genomes Project 0.00020.
gnomAD v4.1: 57 of 1,603,676 alleles (0.0036%); highest among the groups gnomAD compares: South Asian, 0.032%; 1 homozygote.

Submission:

Labcorp Genetics (formerly Invitae), Labcorp
Classification: Uncertain significance for Congenital myasthenic syndrome 18. Last evaluated: 2026-01-26. Review status: criteria provided, single submitter. Criteria: Invitae Variant Classification Sherloc (09022015). Collection method: clinical testing. Allele origin: germline.
Comment: This sequence change replaces glutamic acid, which is acidic and polar, with lysine, which is basic and polar, at codon 3 of the SNAP25 protein (p.Glu3Lys). The frequency data for this variant in the population databases is considered unreliable, as metrics indicate poor data quality at this position in the gnomAD database. This variant has not been reported in the literature in individuals affected with SNAP25-related conditions. ClinVar contains an entry for this variant (Variation ID: 1441827). An algorithm developed to predict the effect of missense changes on protein structure and function (PolyPhen-2) suggests that this variant is likely to be tolerated. In summary, the available evidence is currently insufficient to determine the role of this variant in disease. Therefore, it has been classified as a Variant of Uncertain Significance.